The following is an entry in ClinVar:

NM_001211.6(BUB1B):c.299C>T (p.Thr100Met)

Gene: BUB1B (BUB1 mitotic checkpoint serine/threonine kinase B; plus strand). Cytogenetic location: 15q15.1.
Variant type: single nucleotide variant.
Coding change: c.299C>T on transcript NM_001211.6 (MANE Select); coding-DNA position 299, C replaced by T.
Protein change: p.Thr100Met; replaces threonine 100 with methionine.
Molecular consequence: missense variant.
Genome position (GRCh38, 1-based): chr15:40,170,596, C>T. VCF-style: chr15-40170596-C-T. GRCh37 (hg19) VCF-style: chr15-40462797-C-T.
Other names: short protein forms T100M.
Identifiers: ClinVar variation 1946402 (VCV001946402.6), dbSNP rs571056559, ClinGen allele CA7475445.

ClinVar aggregate classification (germline): Uncertain significance. Review status: criteria provided, multiple submitters, no conflicts (2 of 4 stars). 2 submissions from 2 submitters: Uncertain significance (2). Last evaluated 2025-08-31.

Conditions:
Inborn genetic diseases. Identifiers: MedGen C0950123, MeSH D030342.
Mosaic variegated aneuploidy syndrome 1 (MVA1). Also called: Warburton-Anyane-Yeboa syndrome. Identifiers: Orphanet 1052, MedGen C1850343, MONDO:0009759, OMIM 257300.

Allele frequency attached by ClinVar (database versions not stated): ExAC 0.00001; gnomAD exomes 0.00001.

Submissions (2):

Ambry Genetics
Classification: Uncertain significance for Inborn genetic diseases. Last evaluated: 2025-08-31. Review status: criteria provided, single submitter. Criteria: Ambry Variant Classification Scheme 2023. Collection method: clinical testing. Allele origin: germline.

Labcorp Genetics (formerly Invitae), Labcorp
Classification: Uncertain significance for Mosaic variegated aneuploidy syndrome 1. Last evaluated: 2023-05-11. Review status: criteria provided, single submitter. Criteria: Invitae Variant Classification Sherloc (09022015). Collection method: clinical testing. Allele origin: germline.
Comment: This sequence change replaces threonine, which is neutral and polar, with methionine, which is neutral and non-polar, at codon 100 of the BUB1B protein (p.Thr100Met). This variant is present in population databases (rs571056559, gnomAD 0.0009%). This variant has not been reported in the literature in individuals affected with BUB1B-related conditions. ClinVar contains an entry for this variant (Variation ID: 1946402). An algorithm developed to predict the effect of missense changes on protein structure and function (PolyPhen-2) suggests that this variant is likely to be disruptive. In summary, the available evidence is currently insufficient to determine the role of this variant in disease. Therefore, it has been classified as a Variant of Uncertain Significance.